The following is an entry in ClinVar:

NM_000038.6(APC):c.940A>G (p.Met314Val)

Gene: APC (APC regulator of Wnt signaling pathway; plus strand). Cytogenetic location: 5q22.2.
Variant type: single nucleotide variant.
Coding change: c.940A>G on transcript NM_000038.6 (MANE Select); coding-DNA position 940, A replaced by G.
Protein change: p.Met314Val; replaces methionine 314 with valine.
Molecular consequence: missense variant. On other transcripts: intron variant (4).
Genome position (GRCh38, 1-based): chr5:112,818,972, A>G. VCF-style: chr5-112818972-A-G. GRCh37 (hg19) VCF-style: chr5-112154669-A-G.
Other names: c.940A>G, p.Met314Val (NM_001127510.3, NM_001354895.2, NM_001354896.2); c.886A>G, p.Met296Val (NM_001127511.3); c.970A>G, p.Met324Val (NM_001354897.2); c.865A>G, p.Met289Val (NM_001354898.2); c.856A>G, p.Met286Val (NM_001354899.2); c.763A>G, p.Met255Val (NM_001354900.2, NM_001354901.2); c.91A>G, p.Met31Val (NM_001354906.2); c.964-297A>G (NM_001354902.2); and 3 more; short protein forms M296V, M314V, M286V, M255V, M31V, M289V, M324V.
Identifiers: ClinVar variation 537518 (VCV000537518.10), dbSNP rs1554079946, ClinGen allele CA16023366.

ClinVar aggregate classification (germline): Uncertain significance (1 of 4 stars; one submission).

Conditions:
Familial adenomatous polyposis 1 (FAP1). Also called: FAMILIAL ADENOMATOUS POLYPOSIS 1, ATTENUATED; POLYPOSIS, ADENOMATOUS INTESTINAL. Identifiers: MedGen C2713442, MONDO:0021056, OMIM 175100. Disease mechanism: loss of function.

Submission:

Labcorp Genetics (formerly Invitae), Labcorp
Classification: Uncertain significance for Familial adenomatous polyposis 1. Last evaluated: 2022-09-06. Review status: criteria provided, single submitter. Criteria: Invitae Variant Classification Sherloc (09022015). Collection method: clinical testing. Allele origin: germline.
Comment: This variant has not been reported in the literature in individuals affected with APC-related conditions. In summary, the available evidence is currently insufficient to determine the role of this variant in disease. Therefore, it has been classified as a Variant of Uncertain Significance. Algorithms developed to predict the effect of missense changes on protein structure and function (SIFT, PolyPhen-2, Align-GVGD) all suggest that this variant is likely to be tolerated. ClinVar contains an entry for this variant (Variation ID: 537518). This variant is not present in population databases (gnomAD no frequency). This sequence change replaces methionine, which is neutral and non-polar, with valine, which is neutral and non-polar, at codon 314 of the APC protein (p.Met314Val).